The following is an entry in ClinVar:

NM_153717.3(EVC):c.*748T>C

Gene: EVC (EvC ciliary complex subunit 1; plus strand). Cytogenetic location: 4p16.2.
Variant type: single nucleotide variant.
Coding change: c.*748T>C on transcript NM_153717.3 (MANE Select); 748 bases downstream of the stop codon, T replaced by C.
Molecular consequence: 3 prime UTR variant.
Genome position (GRCh38, 1-based): chr4:5,811,785, T>C. VCF-style: chr4-5811785-T-C. GRCh37 (hg19) VCF-style: chr4-5813512-T-C.
Other names: c.*748T>C (NM_001306090.2).
Identifiers: ClinVar variation 349229 (VCV000349229.6), dbSNP rs62297707, ClinGen allele CA10621386.
Genomic context (GRCh38, chr4:5,811,785, plus strand): 5'-AACTTCCAGACCAGCCCCTCATACCACAGCCAAGAGGGGCCTTTCTCACCTGGAGAGAAA[T>C]TTCCAGACCATCCCCTCTCACCACAGCCAGGAGAGGCCTTTCCCACCGGTAGAGAAACTT-3'

ClinVar aggregate classification (germline): Benign. Review status: criteria provided, multiple submitters, no conflicts (2 of 4 stars). 2 submissions from 2 submitters: Benign (2). Last evaluated 2018-01-13.

Conditions:
Ellis-van Creveld syndrome (EVC). Also called: EVC-Related Ellis-van Creveld Syndrome; EVC2-Related Ellis-van Creveld Syndrome; MESOECTODERMAL DYSPLASIA; Chondroectodermal dysplasia. Identifiers: Orphanet 289, MedGen C0013903, MONDO:0009162, OMIM 225500.

Allele frequency attached by ClinVar (database versions not stated): gnomAD exomes 0.11017; gnomAD 0.13873 and 0.13967; 1000 Genomes Project 0.14976.
gnomAD v4.1: 13,991 of 101,618 alleles (14%); highest among the groups gnomAD compares: Non-Finnish European, 16%; 786 homozygotes.

Submissions (2):

Illumina Laboratory Services, Illumina
Classification: Benign for Ellis-van Creveld syndrome. Last evaluated: 2018-01-13. Review status: criteria provided, single submitter. Criteria: ICSL Variant Classification Criteria 13 December 2019. Collection method: clinical testing. Allele origin: germline.
Comment: This variant was observed in the ICSL laboratory as part of a predisposition screen in an ostensibly healthy population. It had not been previously curated by ICSL or reported in the Human Gene Mutation Database (HGMD: prior to June 1st, 2018), and was therefore a candidate for classification through an automated scoring system. Utilizing variant allele frequency, disease prevalence and penetrance estimates, and inheritance mode, an automated score was calculated to assess if this variant is too frequent to cause the disease. Based on the score and internal cut-off values, a variant classified as benign is not then subjected to further curation. The score for this variant resulted in a classification of benign for this disease.

Breakthrough Genomics
Classification: Benign. Review status: criteria provided, single submitter. Criteria: ACMG Guidelines, 2015. Collection method: not provided. Allele origin: germline. Inheritance: Autosomal recessive inheritance. Affected: yes.